The following is an entry in ClinVar:

NM_014305.4(TGDS):c.982+3A>T

Gene: TGDS (TDP-glucose 4,6-dehydratase; minus strand). Cytogenetic location: 13q32.1.
Variant type: single nucleotide variant.
Coding change: c.982+3A>T on transcript NM_014305.4 (MANE Select); 3 bases into the intron after coding-DNA position 982, A replaced by T.
Molecular consequence: intron variant.
Genome position (GRCh38, 1-based): chr13:94,576,311, T>A on the plus strand (A>T on the coding strand, the complement: TGDS is on the minus strand). VCF-style: chr13-94576311-T-A. GRCh37 (hg19) VCF-style: chr13-95228565-T-A.
Other names: c.886+3A>T (NM_001304430.2).
Identifiers: ClinVar variation 4771173 (VCV004771173.1).

ClinVar aggregate classification (germline): Uncertain significance (1 of 4 stars; one submission).

Submission:

Labcorp Genetics (formerly Invitae), Labcorp
Classification: Uncertain significance. Last evaluated: 2025-04-15. Review status: criteria provided, single submitter. Criteria: Invitae Variant Classification Sherloc (09022015). Collection method: clinical testing. Allele origin: germline.
Comment: This sequence change falls in intron 11 of the TGDS gene. It does not directly change the encoded amino acid sequence of the TGDS protein. It affects a nucleotide within the consensus splice site. This variant is not present in population databases (gnomAD no frequency). This variant has not been reported in the literature in individuals affected with TGDS-related conditions. Variants that disrupt the consensus splice site are a relatively common cause of aberrant splicing (PMID: 17576681, 9536098). Algorithms developed to predict the effect of sequence changes on RNA splicing suggest that this variant may disrupt the consensus splice site. In summary, the available evidence is currently insufficient to determine the role of this variant in disease. Therefore, it has been classified as a Variant of Uncertain Significance.

Literature cited by the submitters: PubMed 17576681; PubMed 9536098.